The following is an entry in ClinVar:

NM_001384474.1(LOXHD1):c.4741-1G>A

Gene: LOXHD1 (lipoxygenase homology PLAT domains 1; minus strand). Cytogenetic location: 18q21.1.
Variant type: single nucleotide variant.
Coding change: c.4741-1G>A on transcript NM_001384474.1 (MANE Select); the canonical splice acceptor site of the intron before coding-DNA position 4741, G replaced by A.
Molecular consequence: splice acceptor variant.
Genome position (GRCh38, 1-based): chr18:46,524,602, C>T on the plus strand (G>A on the coding strand, the complement: LOXHD1 is on the minus strand). VCF-style: chr18-46524602-C-T. GRCh37 (hg19) VCF-style: chr18-44104565-C-T.
Other names: c.1408-1G>A (NM_001145472.3); c.1120-1G>A (NM_001308013.2); c.4741-1G>A (NM_144612.7).
Identifiers: ClinVar variation 393044 (VCV000393044.10), dbSNP rs1057524755, ClinGen allele CA16607590.

ClinVar aggregate classification (germline): Pathogenic/Likely pathogenic. Review status: criteria provided, multiple submitters, no conflicts (2 of 4 stars). 2 submissions from 2 submitters: Pathogenic (1); Likely pathogenic (1). Last evaluated 2023-10-29.

Allele frequency attached by ClinVar (database versions not stated): gnomAD exomes below 0.00001; TOPMed below 0.00001; gnomAD 0.00001.
gnomAD v4.1: 2 of 1,551,636 alleles (0.00013%); highest among the groups gnomAD compares: Non-Finnish European, 0.00017%; no homozygotes.

Submissions (2):

GeneDx
Classification: Pathogenic. Last evaluated: 2023-10-29. Review status: criteria provided, single submitter. Criteria: GeneDx Variant Classification Process June 2021. Collection method: clinical testing. Allele origin: germline. Affected: yes.
Comment: Canonical splice site variant predicted to result in a null allele in a gene for which loss of function is a known mechanism of disease; Not observed at significant frequency in large population cohorts (gnomAD); Has not been previously published as pathogenic or benign to our knowledge

Labcorp Genetics (formerly Invitae), Labcorp
Classification: Likely pathogenic. Last evaluated: 2023-08-07. Review status: criteria provided, single submitter. Criteria: Invitae Variant Classification Sherloc (09022015). Collection method: clinical testing. Allele origin: germline.
Comment: In summary, the currently available evidence indicates that the variant is pathogenic, but additional data are needed to prove that conclusively. Therefore, this variant has been classified as Likely Pathogenic. This sequence change affects an acceptor splice site in intron 30 of the LOXHD1 gene. It is expected to disrupt RNA splicing. Variants that disrupt the donor or acceptor splice site typically lead to a loss of protein function (PMID: 16199547), and loss-of-function variants in LOXHD1 are known to be pathogenic (PMID: 19732867, 21465660, 25792669). This variant is not present in population databases (gnomAD no frequency). This variant has not been reported in the literature in individuals affected with LOXHD1-related conditions. ClinVar contains an entry for this variant (Variation ID: 393044). Algorithms developed to predict the effect of sequence changes on RNA splicing suggest that this variant may disrupt the consensus splice site.

Literature cited by the submitters: PubMed 16199547 (cited by Labcorp Genetics (formerly Invitae), Labcorp); PubMed 19732867 (cited by Labcorp Genetics (formerly Invitae), Labcorp); PubMed 21465660 (cited by Labcorp Genetics (formerly Invitae), Labcorp); PubMed 25792669 (cited by Labcorp Genetics (formerly Invitae), Labcorp).